The following is an entry in ClinVar:

NM_006279.5(ST3GAL3):c.1038+587T>C

Gene: ST3GAL3 (ST3 beta-galactoside alpha-2,3-sialyltransferase 3; plus strand). Cytogenetic location: 1p34.1.
Variant type: single nucleotide variant.
Coding change: c.1038+587T>C on transcript NM_006279.5 (MANE Select); 587 bases into the intron after coding-DNA position 1038, T replaced by C.
Molecular consequence: intron variant. On other transcripts: missense variant (4), non-coding transcript variant (1).
Genome position (GRCh38, 1-based): chr1:43,921,515, T>C. VCF-style: chr1-43921515-T-C. GRCh37 (hg19) VCF-style: chr1-44387187-T-C.
Other names: c.1156T>C, p.Ser386Pro (NM_001350619.2); c.1111T>C, p.Ser371Pro (NM_001350620.2); c.832T>C, p.Ser278Pro (NM_001350621.2); c.1063T>C, p.Ser355Pro (NM_001410781.1); c.1245+587T>C (NM_174963.5); c.1083+587T>C (NM_174964.4); c.443-8617T>C (NM_174965.4); c.*23-8617T>C (NM_001270465.3); and 14 more; short protein forms S386P, S278P, S355P, S371P.
Identifiers: ClinVar variation 4987164 (VCV004987164.1).

ClinVar aggregate classification (germline): Uncertain significance (1 of 4 stars; one submission).

Conditions:
ST3GAL3-related disorder. Also called: ST3GAL3-related condition; ST3GAL3-Related Disorders.

gnomAD v4.1: 40 of 399,718 alleles (0.01%); highest among the groups gnomAD compares: Non-Finnish European, 0.016%; no homozygotes.

Submission:

PreventionGenetics, part of Exact Sciences
Classification: Uncertain significance for ST3GAL3-related condition. Last evaluated: 2025-06-02. Review status: criteria provided, single submitter. Criteria: ACMG Guidelines, 2015. Collection method: clinical testing. Allele origin: germline.
Comment: The ST3GAL3 c.1156T>C variant is predicted to result in the amino acid substitution p.Ser386Pro. To our knowledge, this variant has not been reported in the literature. This variant is reported in 0.026% of alleles in individuals of European (Non-Finnish) descent in gnomAD. At this time, the clinical significance of this variant is uncertain due to the absence of conclusive functional and genetic evidence.